The following is an entry in ClinVar:

NM_138413.4(HOGA1):c.337_340+14del

Gene: HOGA1 (4-hydroxy-2-oxoglutarate aldolase 1; plus strand). Cytogenetic location: 10q24.2.
Variant type: Deletion.
Coding change: c.337_340+14del on transcript NM_138413.4 (MANE Select); coding-DNA position 337 through 14 bases into the intron after coding-DNA position 340, 18 bases deleted (GAGTGTGAGCCAGAATGC).
Molecular consequence: splice donor variant. On other transcripts: intron variant (1).
Genome position (GRCh38, 1-based): chr10:97,598,900-97,598,917, GAGTGTGAGCCAGAATGC deleted; deleting any 18 consecutive bases within chr10:97,598,896-97,598,917 gives the same sequence; the c. name uses the placement nearest the transcript's 3' end. VCF-style (leftmost placement, unchanged base first): chr10-97598895-GATGCGAGTGTGAGCCAGA-G. GRCh37 (hg19) VCF-style: chr10-99358652-GATGCGAGTGTGAGCCAGA-G.
Other names: c.212-2957_212-2940del (NM_001134670.2).
Identifiers: ClinVar variation 4816526 (VCV004816526.1).
Genomic context (GRCh38, chr10:97,598,895, plus strand): 5'-AGGTGGTGAGCCGTGTGCGCCAGGCCATGCCCAAGAACAGGCTCCTGCTAGCTGGCTCCG[GATGCGAGTGTGAGCCAGA>G]ATGCCCTGGGCCCTGGGGGTGGGTGGATGTGCAGGATCCAGGCTCCTAGGCCCTAGCTTG-3'

ClinVar aggregate classification (germline): Likely pathogenic (1 of 4 stars; one submission).

Conditions:
Primary hyperoxaluria type 3. Also called: PH III. Identifiers: Orphanet 416, Orphanet 93600, MedGen C3150878, MONDO:0013327, OMIM 613616. Disease mechanism: loss of function.

Submission:

Natera, Inc.
Classification: Likely pathogenic for Primary hyperoxaluria type III. Last evaluated: 2024-05-06. Review status: criteria provided, single submitter. Criteria: Natera Variant Classification Schema (03/2026). Collection method: clinical testing. Allele origin: germline.
Comment: The c.337_340+14delGAGTGTGAGCCAGAATGC variant in HOGA1 is a deletion affecting a canonical splice donor site and part of an exon. This variant is expected to result in nonsense mediated decay, truncation, or a dysfunctional protein product. This variant is rare in the general population with a frequency below the threshold expected for the associated phenotype(s). Given the available evidence, this variant is classified as Likely Pathogenic.